The following is an entry in ClinVar:

NM_014264.5(PLK4):c.1299_1303del (p.Phe433fs)

Gene: PLK4 (polo like kinase 4; plus strand). Cytogenetic location: 4q28.1.
Variant type: Deletion.
Coding change: c.1299_1303del on transcript NM_014264.5 (MANE Select); coding-DNA positions 1299 to 1303, 5 bases deleted (TAAAG; older notation c.1299_1303delTAAAG).
Protein change: p.Phe433fs; shifts the reading frame from phenylalanine 433.
Molecular consequence: frameshift variant.
Genome position (GRCh38, 1-based): chr4:127,886,669-127,886,673, TAAAG deleted. VCF-style (leftmost placement, unchanged base first): chr4-127886668-TTAAAG-T. GRCh37 (hg19) VCF-style: chr4-128807823-TTAAAG-T.
Other names: c.1299_1303del (NM_014264.4); c.1299_1303delTAAAG (NM_014264.4); c.1203_1207del, p.Phe401fs (NM_001190799.2); c.1176_1180del, p.Phe392fs (NM_001190801.2); short protein forms F392fs, F401fs, F433fs.
Identifiers: ClinVar variation 162401 (VCV000162401.24), dbSNP rs724159996, ClinGen allele CA175024.

ClinVar aggregate classification (germline): Conflicting classifications of pathogenicity. Review status: criteria provided, conflicting classifications (1 of 4 stars). 6 submissions from 6 submitters: Pathogenic (2); Uncertain significance (1). 3 of the submissions do not count toward it. Last evaluated 2025-04-10.

Conditions:
Microcephaly and chorioretinopathy 2. Also called: Microcephaly and chorioretinopathy, autosomal recessive, 2. Identifiers: Orphanet 808, MedGen C4015388, MONDO:0014516, OMIM 616171.

Allele frequency attached by ClinVar (database versions not stated): gnomAD exomes 0.00001 and 0.00003; gnomAD 0.00003 and 0.00006; ExAC 0.00005; TOPMed 0.00008; ESP Exome Variant Server 0.00016.

Submissions (6):

Labcorp Genetics (formerly Invitae), Labcorp
Classification: Pathogenic. Last evaluated: 2025-04-10. Review status: criteria provided, single submitter. Criteria: Invitae Variant Classification Sherloc (09022015). Collection method: clinical testing. Allele origin: germline.
Comment: This sequence change creates a premature translational stop signal (p.Phe433Leufs*6) in the PLK4 gene. It is expected to result in an absent or disrupted protein product. Loss-of-function variants in PLK4 are known to be pathogenic (PMID: 25320347, 30842647). This variant is present in population databases (rs724159996, gnomAD 0.02%). This premature translational stop signal has been observed in individuals with Seckel syndrome (PMID: 25320347, 25344692). It has also been observed to segregate with disease in related individuals. ClinVar contains an entry for this variant (Variation ID: 162401). Algorithms developed to predict the effect of sequence changes on RNA splicing suggest that this variant may disrupt the consensus splice site. For these reasons, this variant has been classified as Pathogenic.

Genomic Medicine Center of Excellence, King Faisal Specialist Hospital and Research Centre
Classification: Pathogenic for Microcephaly and chorioretinopathy 2. Last evaluated: 2024-09-22. Review status: criteria provided, single submitter. Criteria: ACMG Guidelines, 2015. Collection method: clinical testing. Allele origin: germline.

GeneDx
Classification: Uncertain significance. Last evaluated: 2022-11-30. Review status: criteria provided, single submitter. Criteria: GeneDx Variant Classification Process June 2021. Collection method: clinical testing. Allele origin: germline. Affected: yes.
Comment: Frameshift variant predicted to result in protein truncation or nonsense mediated decay in a gene or region of a gene for which loss of function is not a well-established mechanism of disease; This variant is associated with the following publications: (PMID: 25320347, 25344692, 32552793, 30214071, 33756487)

Clinical Laboratory Sciences Program (CLSP), King Saud bin Abdulaziz University for Health Sciences (KSAU-HS)
Classification: Pathogenic for Microcephaly and chorioretinopathy 2. Last evaluated: 2023-04-01. Review status: no assertion criteria provided. Collection method: clinical testing. Allele origin: germline. Affected: yes. Not counted in ClinVar's aggregate classification.

OMIM
Classification: Pathogenic for MICROCEPHALY AND CHORIORETINOPATHY, AUTOSOMAL RECESSIVE, 2. Last evaluated: 2014-12-01. Review status: no assertion criteria provided. Collection method: literature only. Allele origin: germline. Not counted in ClinVar's aggregate classification.

Service de Génétique Moléculaire, Hôpital Robert Debré
Classification: Pathogenic for Microcephaly and chorioretinopathy 2. Review status: no assertion criteria provided. Collection method: clinical testing. Allele origin: unknown. Affected: yes. Not counted in ClinVar's aggregate classification.

Literature cited by the submitters: PubMed 25320347 (cited by Labcorp Genetics (formerly Invitae), Labcorp); PubMed 30842647 (cited by Labcorp Genetics (formerly Invitae), Labcorp); PubMed 25344692 (cited by Labcorp Genetics (formerly Invitae), Labcorp); Martin, C.-A., Ahmad, I., Klingseisen, A., Hussain, M. S., Bicknell, L. S., Leitch, A., Nurnberg, G., Toliat, M. R., Murray, J. E., Hunt, D., Khan, F., Ali, Z., and 26 others Mutations in PLK4, encoding a master regulator of centriole biogenesis, cause microcephaly, growth failure and retinopathy. Nature Genet. 46: 1283-1292, 2014. (cited by OMIM).